The following is an entry in ClinVar:

NM_002519.3(NPAT):c.2516T>A (p.Val839Asp)

Gene: NPAT (nuclear protein, coactivator of histone transcription; minus strand). Cytogenetic location: 11q22.3.
Variant type: single nucleotide variant.
Coding change: c.2516T>A on transcript NM_002519.3 (MANE Select); coding-DNA position 2516, T replaced by A.
Protein change: p.Val839Asp; replaces valine 839 with aspartic acid.
Molecular consequence: missense variant.
Genome position (GRCh38, 1-based): chr11:108,172,468, A>T on the plus strand (T>A on the coding strand, the complement: NPAT is on the minus strand). VCF-style: chr11-108172468-A-T. GRCh37 (hg19) VCF-style: chr11-108043195-A-T.
Other names: c.2516T>A, p.Val839Asp (NM_001321307.1); short protein forms V839D.
Identifiers: ClinVar variation 2624977 (VCV002624977.2), dbSNP rs201252474, ClinGen allele CA382512811.

ClinVar aggregate classification (germline): Uncertain significance (1 of 4 stars; one submission).

Submission:

Ambry Genetics
Classification: Uncertain significance. Last evaluated: 2023-07-01. Review status: criteria provided, single submitter. Criteria: Ambry Variant Classification Scheme 2023. Collection method: clinical testing. Allele origin: germline.
Comment: The p.V839D variant (also known as c.2516T>A), located in coding exon 13 of the NPAT gene, results from a T to A substitution at nucleotide position 2516. The valine at codon 839 is replaced by aspartic acid, an amino acid with highly dissimilar properties. This amino acid position is conserved. In addition, this alteration is predicted to be tolerated by in silico analysis. Since supporting evidence is limited at this time, the clinical significance of this alteration remains unclear.